The following is an entry in ClinVar:

NM_004859.4(CLTC):c.562A>G (p.Arg188Gly)

Gene: CLTC (clathrin heavy chain; plus strand). Cytogenetic location: 17q23.1.
Variant type: single nucleotide variant.
Coding change: c.562A>G on transcript NM_004859.4 (MANE Select); coding-DNA position 562, A replaced by G.
Protein change: p.Arg188Gly; replaces arginine 188 with glycine.
Molecular consequence: missense variant.
Genome position (GRCh38, 1-based): chr17:59,648,282, A>G. VCF-style: chr17-59648282-A-G. GRCh37 (hg19) VCF-style: chr17-57725643-A-G.
Other names: c.574A>G, p.Arg192Gly (NM_001288653.2); short protein forms R188G, R192G.
Identifiers: ClinVar variation 1335835 (VCV001335835.2), dbSNP rs2143508096, ClinGen allele CA400420862.

ClinVar aggregate classification (germline): Uncertain significance (1 of 4 stars; one submission).

Submission:

GeneDx
Classification: Uncertain significance. Last evaluated: 2022-01-06. Review status: criteria provided, single submitter. Criteria: GeneDx Variant Classification Process June 2021. Collection method: clinical testing. Allele origin: germline. Affected: yes.
Comment: Not observed at significant frequency in large population cohorts (gnomAD); In silico analysis supports that this missense variant has a deleterious effect on protein structure/function; Has not been previously published as pathogenic or benign to our knowledge